The following is an entry in ClinVar:

NM_000026.4(ADSL):c.1220C>T (p.Ser407Phe)

Gene: ADSL (adenylosuccinate lyase; plus strand). Cytogenetic location: 22q13.1.
Variant type: single nucleotide variant.
Coding change: c.1220C>T on transcript NM_000026.4 (MANE Select); coding-DNA position 1220, C replaced by T.
Protein change: p.Ser407Phe; replaces serine 407 with phenylalanine.
Molecular consequence: missense variant. On other transcripts: non-coding transcript variant (1), intron variant (2).
Genome position (GRCh38, 1-based): chr22:40,364,908, C>T. VCF-style: chr22-40364908-C-T. GRCh37 (hg19) VCF-style: chr22-40760912-C-T.
Other names: c.1028C>T, p.Ser343Phe (NM_001317923.2); c.1220C>T, p.Ser407Phe (NM_001363840.3, NM_001410812.1); c.1175C>T, p.Ser392Phe (NM_001410814.1); c.1191+543C>T (NM_001123378.3, NM_001410816.1); short protein forms S343F, S392F, S407F.
Identifiers: ClinVar variation 5017271 (VCV005017271.1).

ClinVar aggregate classification (germline): Uncertain significance (1 of 4 stars; one submission).

gnomAD v4.1: 1 of 1,614,222 alleles (0.000062%); highest among the groups gnomAD compares: South Asian, 0.0011%; no homozygotes.

Submission:

GeneDx
Classification: Uncertain significance. Last evaluated: 2026-03-27. Review status: criteria provided, single submitter. Criteria: GeneDx Variant Classification Process June 2021. Collection method: clinical testing. Allele origin: germline.
Comment: Not observed at significant frequency in large population cohorts (gnomAD); In silico analysis supports that this missense variant has a deleterious effect on protein structure/function; Has not been previously published as pathogenic or benign to our knowledge